The following is an entry in ClinVar:

NM_004006.3(DMD):c.2501C>G (p.Ala834Gly)

Gene: DMD (dystrophin; minus strand). Cytogenetic location: Xp21.1.
Variant type: single nucleotide variant.
Coding change: c.2501C>G on transcript NM_004006.3 (MANE Select); coding-DNA position 2501, C replaced by G.
Protein change: p.Ala834Gly; replaces alanine 834 with glycine.
Molecular consequence: missense variant.
Genome position (GRCh38, 1-based): chrX:32,491,398, G>C on the plus strand (C>G on the coding strand, the complement: DMD is on the minus strand). VCF-style: chrX-32491398-G-C. GRCh37 (hg19) VCF-style: chrX-32509515-G-C.
Other names: c.2477C>G, p.Ala826Gly (NM_000109.4); c.2489C>G, p.Ala830Gly (NM_004009.3); c.2132C>G, p.Ala711Gly (NM_004010.3); short protein forms A826G, A834G, A711G, A830G.
Identifiers: ClinVar variation 1416373 (VCV001416373.5), dbSNP rs759157383, ClinGen allele CA10379507.
Genomic context (GRCh38, chrX:32,491,398, plus strand): 5'-TTCAACCAGTTTTCAGCAGTAGTTGTCATCTGCTCCAATTGTTGTAGCTGATTATAGAAA[G>C]CGATGATGTTGTTCTGATACTCCAGCCAGTTAAGTCTCTCACTTAGCAACTGGCAGAATT-3'
Protein context (NP_003997.2, residues 824-844): NWLEYQNNII[Ala834Gly]FYNQLQQLEQ

ClinVar aggregate classification (germline): Uncertain significance (1 of 4 stars; one submission).

Conditions:
Duchenne muscular dystrophy (DMD). Also called: MUSCULAR DYSTROPHY, PSEUDOHYPERTROPHIC PROGRESSIVE, DUCHENNE TYPE; Duchenne Muscular Dystrophy (DMD). Identifiers: Orphanet 98896, MedGen C0013264, MONDO:0010679, OMIM 310200.

Allele frequency attached by ClinVar (database versions not stated): gnomAD exomes 0.00001; ExAC 0.00002.

Submission:

Labcorp Genetics (formerly Invitae), Labcorp
Classification: Uncertain significance for Duchenne muscular dystrophy. Last evaluated: 2021-08-26. Review status: criteria provided, single submitter. Criteria: Invitae Variant Classification Sherloc (09022015). Collection method: clinical testing. Allele origin: germline.
Comment: This sequence change replaces alanine with glycine at codon 834 of the DMD protein (p.Ala834Gly). The alanine residue is weakly conserved and there is a small physicochemical difference between alanine and glycine. This variant is present in population databases (rs759157383, ExAC 0.004%). This variant has not been reported in the literature in individuals affected with DMD-related conditions. Algorithms developed to predict the effect of missense changes on protein structure and function (SIFT, PolyPhen-2, Align-GVGD) all suggest that this variant is likely to be tolerated. In summary, the available evidence is currently insufficient to determine the role of this variant in disease. Therefore, it has been classified as a Variant of Uncertain Significance.